The following is an entry in ClinVar:

ClinVar aggregate classification (germline): Uncertain significance (1 of 4 stars; one submission).

Conditions:
Inborn genetic diseases. Identifiers: MedGen C0950123, MeSH D030342.

gnomAD v4.1: 6 of 1,210,230 alleles (0.0005%); highest among the groups gnomAD compares: African/African-American, 0.0017%; no homozygotes.

Submission:

Ambry Genetics
Classification: Uncertain significance for Inborn genetic diseases. Last evaluated: 2026-04-14. Review status: criteria provided, single submitter. Criteria: Ambry Variant Classification Scheme 2023. Collection method: clinical testing. Allele origin: germline.
Comment: The c.1293T>G (p.I431M) alteration is located in exon 10 (coding exon 9) of the GABRA3 gene. This alteration results from a T to G substitution at nucleotide position 1293, causing the isoleucine (I) at amino acid position 431 to be replaced by a methionine (M). Based on data from gnomAD, the G allele has an overall frequency of <0.001% (1/183451) total alleles studied. The highest observed frequency was 0.001% (1/81895) of European (non-Finnish) alleles. Based on insufficient or conflicting evidence, the clinical significance of this alteration remains unclear.

NM_000808.4(GABRA3):c.1293T>G (p.Ile431Met)

Gene: GABRA3 (gamma-aminobutyric acid type A receptor subunit alpha3; minus strand). Cytogenetic location: Xq28.
Variant type: single nucleotide variant.
Coding change: c.1293T>G on transcript NM_000808.4 (MANE Select); coding-DNA position 1293, T replaced by G.
Protein change: p.Ile431Met; replaces isoleucine 431 with methionine.
Molecular consequence: missense variant.
Genome position (GRCh38, 1-based): chrX:152,168,414, A>C on the plus strand (T>G on the coding strand, the complement: GABRA3 is on the minus strand). VCF-style: chrX-152168414-A-C. GRCh37 (hg19) VCF-style: chrX-151336886-A-C.
Other names: short protein forms I431M.
Identifiers: ClinVar variation 4871620 (VCV004871620.1).
Genomic context (GRCh38, chrX:152,168,414, plus strand): 5'-ACTGTTGTAGGTCTTGGTCTCAGTCGGGCTGTCCTGCACGTAGGTGGCCTTGGGTGAAGC[A>C]ATGATTGTTGGGGTTGAGGAGGCACTGGGAGCAGCGCCCTTGGAGATGGTGGAAAATTCA-3'
Protein context (NP_000799.1, residues 421-441): APSASSTPTI[Ile431Met]ASPKATYVQD